The following is an entry in ClinVar:

NM_019066.5(MAGEL2):c.3662del (p.Ala1221fs)

Gene: MAGEL2 (MAGE family member L2; minus strand). Cytogenetic location: 15q11.2.
Variant type: Deletion.
Coding change: c.3662del on transcript NM_019066.5 (MANE Select); coding-DNA position 3662, one base deleted (C; older notation c.3662delC).
Protein change: p.Ala1221fs; shifts the reading frame from alanine 1221.
Molecular consequence: frameshift variant.
Genome position (GRCh38, 1-based): chr15:23,644,081, G deleted on the plus strand (C on the coding strand, the reverse complement: MAGEL2 is on the minus strand). VCF-style (leftmost placement, unchanged base first): chr15-23644080-TG-T. GRCh37 (hg19) VCF-style: chr15-23889227-TG-T.
Other names: short protein forms A1221fs.
Identifiers: ClinVar variation 3347316 (VCV003347316.1).

ClinVar aggregate classification (germline): Uncertain significance (0 of 4 stars; one submission).

Conditions:
MAGEL2-related disorder. Also called: MAGEL2-related condition.

Submission:

PreventionGenetics, part of Exact Sciences
Classification: Uncertain significance for MAGEL2-related condition. Last evaluated: 2024-07-26. Review status: no assertion criteria provided. Collection method: clinical testing. Allele origin: germline.
Comment: The MAGEL2 c.3662delC variant is predicted to result in a frameshift and premature protein termination (p.Ala1221Glufs*104). To our knowledge, this variant has not been reported in the literature or in a large population database, indicating this variant is rare. While nonsense variants are an established mechanism of disease in MAGEL2, this particular variant is located downstream of the majority of reported cases and therefore the molecular consequences of this variant are unknown. Although we suspect that this variant may be pathogenic, at this time, the clinical significance of this variant is uncertain due to the absence of conclusive functional and genetic evidence.